The following is an entry in ClinVar:

NM_152383.5(DIS3L2):c.2399T>C (p.Leu800Pro)

Gene: DIS3L2 (DIS3 like 3'-5' exoribonuclease 2; plus strand). Cytogenetic location: 2q37.1.
Variant type: single nucleotide variant.
Coding change: c.2399T>C on transcript NM_152383.5 (MANE Select); coding-DNA position 2399, T replaced by C.
Protein change: p.Leu800Pro; replaces leucine 800 with proline.
Molecular consequence: missense variant. On other transcripts: non-coding transcript variant (2), intron variant (1).
Genome position (GRCh38, 1-based): chr2:232,335,777, T>C. VCF-style: chr2-232335777-T-C. GRCh37 (hg19) VCF-style: chr2-233200487-T-C.
Other names: c.1582-7568T>C (NM_001257281.2); short protein forms L800P.
Identifiers: ClinVar variation 2167356 (VCV002167356.5), dbSNP rs2469452653, ClinGen allele CA350978146.

ClinVar aggregate classification (germline): Uncertain significance. Review status: criteria provided, multiple submitters, no conflicts (2 of 4 stars). 2 submissions from 2 submitters: Uncertain significance (2). Last evaluated 2024-01-16.

Conditions:
Inborn genetic diseases. Identifiers: MedGen C0950123, MeSH D030342.
Perlman syndrome (PRLMNS). Identifiers: Orphanet 2849, MedGen C0796113, MONDO:0009965, OMIM 267000.

Allele frequency attached by ClinVar (database versions not stated): gnomAD exomes below 0.00001.
gnomAD v4.1: 4 of 1,550,430 alleles (0.00026%); highest among the groups gnomAD compares: Non-Finnish European, 0.00035%; no homozygotes.

Submissions (2):

Ambry Genetics
Classification: Uncertain significance for Inborn genetic diseases. Last evaluated: 2024-01-16. Review status: criteria provided, single submitter. Criteria: Ambry Variant Classification Scheme 2023. Collection method: clinical testing. Allele origin: germline.

Labcorp Genetics (formerly Invitae), Labcorp
Classification: Uncertain significance for Perlman syndrome. Last evaluated: 2023-09-18. Review status: criteria provided, single submitter. Criteria: Invitae Variant Classification Sherloc (09022015). Collection method: clinical testing. Allele origin: germline.
Comment: This variant is not present in population databases (gnomAD no frequency). This sequence change replaces leucine, which is neutral and non-polar, with proline, which is neutral and non-polar, at codon 800 of the DIS3L2 protein (p.Leu800Pro). This variant has not been reported in the literature in individuals affected with DIS3L2-related conditions. ClinVar contains an entry for this variant (Variation ID: 2167356). Advanced modeling of protein sequence and biophysical properties (such as structural, functional, and spatial information, amino acid conservation, physicochemical variation, residue mobility, and thermodynamic stability) performed at Invitae indicates that this missense variant is not expected to disrupt DIS3L2 protein function. In summary, the available evidence is currently insufficient to determine the role of this variant in disease. Therefore, it has been classified as a Variant of Uncertain Significance.